The following is an entry in ClinVar:

NM_013339.4(ALG6):c.1508A>G (p.Gln503Arg)

Gene: ALG6 (ALG6 alpha-1,3-glucosyltransferase; plus strand). Cytogenetic location: 1p31.3.
Variant type: single nucleotide variant.
Coding change: c.1508A>G on transcript NM_013339.4 (MANE Select); coding-DNA position 1508, A replaced by G.
Protein change: p.Gln503Arg; replaces glutamine 503 with arginine.
Molecular consequence: missense variant.
Genome position (GRCh38, 1-based): chr1:63,437,004, A>G. VCF-style: chr1-63437004-A-G. GRCh37 (hg19) VCF-style: chr1-63902675-A-G.
Other names: short protein forms Q503R.
Identifiers: ClinVar variation 1954723 (VCV001954723.2), dbSNP rs1056967570, ClinGen allele CA23813873.
Genomic context (GRCh38, chr1:63,437,004, plus strand): 5'-TGTTCTTCTTGGTATACTTTAACATTATTATTATGTGGGATTCCAAAAGTGGAAGAAATC[A>G]GAAGAAAATCAGCTAGCTGTATTCCTAAACAAATTGTTTCCTAAACAAATGTGAAAATGT-3'
Protein context (NP_037471.2, residues 493-507): IMWDSKSGRN[Gln503Arg]KKIS

ClinVar aggregate classification (germline): Uncertain significance (1 of 4 stars; one submission).

Conditions:
ALG6-congenital disorder of glycosylation 1C (CDG1C). Also called: CDG Ic; Congenital disorder of glycosylation, type Ic; CARBOHYDRATE-DEFICIENT GLYCOPROTEIN SYNDROME, TYPE I, WITH DEFICIENT GLYCOSYLATION OF DOLICHOL-LINKED OLIGOSACCHARIDE; CARBOHYDRATE-DEFICIENT GLYCOPROTEIN SYNDROME, TYPE V; Congenital disorder of glycosylation type 1C. Identifiers: Orphanet 79320, MedGen C2930997, MONDO:0011291, OMIM 603147.

Allele frequency attached by ClinVar (database versions not stated): gnomAD exomes below 0.00001; gnomAD 0.00001; TOPMed 0.00001.
gnomAD v4.1: 4 of 1,613,000 alleles (0.00025%); highest among the groups gnomAD compares: African/African-American, 0.0053%; no homozygotes.

Submission:

Labcorp Genetics (formerly Invitae), Labcorp
Classification: Uncertain significance for ALG6-congenital disorder of glycosylation 1C. Last evaluated: 2021-12-23. Review status: criteria provided, single submitter. Criteria: Invitae Variant Classification Sherloc (09022015). Collection method: clinical testing. Allele origin: germline.
Comment: This sequence change replaces glutamine, which is neutral and polar, with arginine, which is basic and polar, at codon 503 of the ALG6 protein (p.Gln503Arg). This variant is present in population databases (no rsID available, gnomAD 0.007%). This variant has not been reported in the literature in individuals affected with ALG6-related conditions. Algorithms developed to predict the effect of missense changes on protein structure and function output the following: SIFT: "Tolerated"; PolyPhen-2: "Benign"; Align-GVGD: "Class C0". The arginine amino acid residue is found in multiple mammalian species, which suggests that this missense change does not adversely affect protein function. In summary, the available evidence is currently insufficient to determine the role of this variant in disease. Therefore, it has been classified as a Variant of Uncertain Significance.